The following is an entry in ClinVar:

NM_000051.4(ATM):c.72+6A>G

Gene: ATM (ATM serine/threonine kinase; plus strand). Cytogenetic location: 11q22.3.
Variant type: single nucleotide variant.
Coding change: c.72+6A>G on transcript NM_000051.4 (MANE Select); 6 bases into the intron after coding-DNA position 72, A replaced by G.
Molecular consequence: intron variant.
Genome position (GRCh38, 1-based): chr11:108,227,702, A>G. VCF-style: chr11-108227702-A-G. GRCh37 (hg19) VCF-style: chr11-108098429-A-G.
Other names: c.72+6A>G (NM_001351834.2, NM_001351835.2, NM_001351836.2).
Identifiers: ClinVar variation 380200 (VCV000380200.2), dbSNP rs1057520800, ClinGen allele CA16606773.
Genomic context (GRCh38, chr11:108,227,702, plus strand): 5'-TGATCTGCTTATCTGCTGCCGTCAACTAGAACATGATAGAGCTACAGAACGAAAGGTAGT[A>G]AATTACTTAAATTCAATTTTTCCTTGAAATAAGTGTGATTAGTAACCCATTATTATTTCC-3'

ClinVar aggregate classification (germline): Conflicting classifications of pathogenicity. Review status: criteria provided, conflicting classifications (1 of 4 stars). 2 submissions from 2 submitters: Uncertain significance (1); Likely benign (1). Last evaluated 2025-01-06.

Conditions:
Ataxia-telangiectasia syndrome (AT). Also called: LOUIS-BAR SYNDROME; ATAXIA-TELANGIECTASIA, COMPLEMENTATION GROUP A; ATAXIA-TELANGIECTASIA, FRESNO VARIANT; Ataxia-telangiectasia; Ataxia telangiectasia (A-T); Cerebello-oculocutaneous telangiectasia. Identifiers: Orphanet 100, MedGen C0004135, MONDO:0008840, OMIM 208900.

Submissions (2):

Molecular Pathology, Peter Maccallum Cancer Centre
Classification: Uncertain significance for Ataxia-telangiectasia syndrome. Last evaluated: 2025-01-06. Review status: criteria provided, single submitter. Criteria: ACMG Guidelines, 2015. Collection method: clinical testing. Allele origin: germline. Inheritance: Autosomal recessive inheritance.

GeneDx
Classification: Likely benign. Last evaluated: 2015-06-29. Review status: criteria provided, single submitter. Criteria: GeneDx Variant Classification (06012015). Collection method: clinical testing. Allele origin: germline. Affected: yes.
Comment: This variant is considered likely benign or benign based on one or more of the following criteria: it is a conservative change, it occurs at a poorly conserved position in the protein, it is predicted to be benign by multiple in silico algorithms, and/or has population frequency not consistent with disease.